The following is an entry in ClinVar:

NM_014975.3(MAST1):c.789T>C (p.Ser263=)

Gene: MAST1 (microtubule associated serine/threonine kinase 1; plus strand). Cytogenetic location: 19p13.13.
Variant type: single nucleotide variant.
Coding change: c.789T>C on transcript NM_014975.3 (MANE Select); coding-DNA position 789, T replaced by C.
Protein change: p.Ser263=; no amino-acid change (serine 263 retained).
Molecular consequence: synonymous variant.
Genome position (GRCh38, 1-based): chr19:12,851,948, T>C. VCF-style: chr19-12851948-T-C. GRCh37 (hg19) VCF-style: chr19-12962762-T-C.
Other names: c.789T>C (NM_014975.2).
Identifiers: ClinVar variation 1977515 (VCV001977515.7), dbSNP rs372658842, ClinGen allele CA305487558.

ClinVar aggregate classification (germline): Likely benign. Review status: criteria provided, single submitter (1 of 4 stars). 2 submissions from 2 submitters: Likely benign (1). 1 of the submissions does not count toward it. Last evaluated 2025-03-31.

Conditions:
MAST1-related disorder. Also called: MAST1-related condition.

Allele frequency attached by ClinVar (database versions not stated): gnomAD exomes 0.00001; gnomAD 0.00003; TOPMed 0.00003; ESP Exome Variant Server 0.00008.
gnomAD v4.1: 14 of 1,613,812 alleles (0.00087%); highest among the groups gnomAD compares: Non-Finnish European, 0.0012%; no homozygotes.

Submissions (2):

Labcorp Genetics (formerly Invitae), Labcorp
Classification: Likely benign. Last evaluated: 2025-03-31. Review status: criteria provided, single submitter. Criteria: Invitae Variant Classification Sherloc (09022015). Collection method: clinical testing. Allele origin: germline.

PreventionGenetics, part of Exact Sciences
Classification: Likely benign for MAST1-related condition. Last evaluated: 2023-05-09. Review status: no assertion criteria provided. Collection method: clinical testing. Allele origin: germline. Not counted in ClinVar's aggregate classification.
Comment: This variant is classified as likely benign based on ACMG/AMP sequence variant interpretation guidelines (Richards et al. 2015 PMID: 25741868, with internal and published modifications).